The following is an entry in ClinVar:

ClinVar aggregate classification (germline): Uncertain significance. Review status: criteria provided, multiple submitters, no conflicts (2 of 4 stars). 2 submissions from 2 submitters: Uncertain significance (2). Last evaluated 2024-09-14.

Conditions:
Catecholaminergic polymorphic ventricular tachycardia (CVPT). Also called: Catecholamine-induced polymorphic ventricular tachycardia. Identifiers: Orphanet 3286, MedGen C5574922, MONDO:0017990.
Catecholaminergic polymorphic ventricular tachycardia 1. Also called: VENTRICULAR TACHYCARDIA, CATECHOLAMINERGIC POLYMORPHIC, 1, WITH OR WITHOUT ATRIAL DYSFUNCTION AND/OR DILATED CARDIOMYOPATHY; RYR2-Related Catecholaminergic Polymorphic Ventricular Tachycardia; VENTRICULAR TACHYCARDIA, STRESS-INDUCED POLYMORPHIC 1. Identifiers: Orphanet 3286, MedGen C1631597, MONDO:0011484, OMIM 604772.

gnomAD v4.1: 1 of 1,613,918 alleles (0.000062%); no homozygotes.

Submissions (2):

Labcorp Genetics (formerly Invitae), Labcorp
Classification: Uncertain significance for Catecholaminergic polymorphic ventricular tachycardia 1. Last evaluated: 2024-09-14. Review status: criteria provided, single submitter. Criteria: Invitae Variant Classification Sherloc (09022015). Collection method: clinical testing. Allele origin: germline.
Comment: This sequence change replaces glutamic acid, which is acidic and polar, with lysine, which is basic and polar, at codon 2137 of the RYR2 protein (p.Glu2137Lys). This variant is not present in population databases (gnomAD no frequency). This variant has not been reported in the literature in individuals affected with RYR2-related conditions. Invitae Evidence Modeling of protein sequence and biophysical properties (such as structural, functional, and spatial information, amino acid conservation, physicochemical variation, residue mobility, and thermodynamic stability) indicates that this missense variant is expected to disrupt RYR2 protein function with a positive predictive value of 95%. In summary, the available evidence is currently insufficient to determine the role of this variant in disease. Therefore, it has been classified as a Variant of Uncertain Significance.

All of Us Research Program, National Institutes of Health
Classification: Uncertain significance for Catecholaminergic polymorphic ventricular tachycardia. Last evaluated: 2023-12-18. Review status: criteria provided, single submitter. Criteria: ACMG Guidelines, 2015. Collection method: clinical testing. Allele origin: germline. Inheritance: Autosomal dominant inheritance. Observed: 1 variant allele, 1 heterozygote.
Comment: This missense variant replaces glutamic acid with lysine at codon 2137 of the RYR2 protein. Computational prediction suggests that this variant may have deleterious impact on protein structure and function (internally defined REVEL score threshold >= 0.7, PMID: 27666373). To our knowledge, functional studies have not been reported for this variant. This variant has not been reported in individuals affected with RYR2-related disorders in the literature. This variant has not been identified in the general population by the Genome Aggregation Database (gnomAD). The available evidence is insufficient to determine the role of this variant in disease conclusively. Therefore, this variant is classified as a Variant of Uncertain Significance.

This study involves interpretation of variants in research participants for the purpose of population health screening. Participant phenotype was not available at the time of variant classification. Additional details can be found in publication PMID: 35346344, PMCID: PMC8962531

NM_001035.3(RYR2):c.6409G>A (p.Glu2137Lys)

Gene: RYR2 (ryanodine receptor 2; plus strand). Cytogenetic location: 1q43.
Variant type: single nucleotide variant.
Coding change: c.6409G>A on transcript NM_001035.3 (MANE Select); coding-DNA position 6409, G replaced by A.
Protein change: p.Glu2137Lys; replaces glutamic acid 2137 with lysine.
Molecular consequence: missense variant.
Genome position (GRCh38, 1-based): chr1:237,628,049, G>A. VCF-style: chr1-237628049-G-A. GRCh37 (hg19) VCF-style: chr1-237791349-G-A.
Other names: short protein forms E2137K.
Identifiers: ClinVar variation 3075091 (VCV003075091.3), dbSNP rs2546889616, ClinGen allele CA345411482.
Genomic context (GRCh38, chr1:237,628,049, plus strand): 5'-ATCAACCTGCTGGCATCCCTTGGTCAGATTCGGTCCCTGCTGAGTGTGAGAATGGGCAAA[G>A]AAGAAGAGAAGCTCATGATTCGTGGATTAGGGTAAATTATTTAACTACTACAACCCTTTG-3'
Protein context (NP_001026.2, residues 2127-2147): RSLLSVRMGK[Glu2137Lys]EEKLMIRGLG